The following is an entry in ClinVar:

NM_006180.6(NTRK2):c.2028C>T (p.Ile676=)

Gene: NTRK2 (neurotrophic receptor tyrosine kinase 2; plus strand). Cytogenetic location: 9q21.33.
Variant type: single nucleotide variant.
Coding change: c.2028C>T on transcript NM_006180.6 (MANE Select); coding-DNA position 2028, C replaced by T.
Protein change: p.Ile676=; no amino-acid change (isoleucine 676 retained).
Molecular consequence: synonymous variant.
Genome position (GRCh38, 1-based): chr9:84,955,373, C>T. VCF-style: chr9-84955373-C-T. GRCh37 (hg19) VCF-style: chr9-87570288-C-T.
Other names: c.2028C>T (NM_006180.4); c.1980C>T, p.Ile660= (NM_001018064.3, NM_001369532.1, NM_001369533.1); c.1944C>T, p.Ile648= (NM_001369534.1); c.1512C>T, p.Ile504= (NM_001369535.1); c.1560C>T, p.Ile520= (NM_001369536.1); c.2028C>T, p.Ile676= (NM_001381928.1).
Identifiers: ClinVar variation 1938606 (VCV001938606.6), dbSNP rs1823989805, ClinGen allele CA465983815.

ClinVar aggregate classification (germline): Likely benign. Review status: criteria provided, multiple submitters, no conflicts (2 of 4 stars). 2 submissions from 2 submitters: Likely benign (2). Last evaluated 2025-08-29.

Conditions:
NTRK2-related disorder. Also called: NTRK2-related condition.

Allele frequency attached by ClinVar (database versions not stated): gnomAD exomes below 0.00001; TOPMed 0.00001; gnomAD 0.00003.
gnomAD v4.1: 5 of 1,613,952 alleles (0.00031%); highest among the groups gnomAD compares: African/African-American, 0.0013%; no homozygotes.

Submissions (2):

PreventionGenetics, part of Exact Sciences
Classification: Likely benign for NTRK2-related condition. Last evaluated: 2025-08-29. Review status: criteria provided, single submitter. Criteria: ACMG Guidelines, 2015. Collection method: clinical testing. Allele origin: germline.
Comment: This variant is classified as likely benign based on ACMG/AMP sequence variant interpretation guidelines (Richards et al. 2015 PMID: 25741868, with internal and published modifications).

Labcorp Genetics (formerly Invitae), Labcorp
Classification: Likely benign. Last evaluated: 2024-11-28. Review status: criteria provided, single submitter. Criteria: Invitae Variant Classification Sherloc (09022015). Collection method: clinical testing. Allele origin: germline.